The following is an entry in ClinVar:

NM_013336.4(SEC61A1):c.314C>A (p.Thr105Asn)

Gene: SEC61A1 (SEC61 translocon subunit alpha 1; plus strand). Cytogenetic location: 3q21.3.
Variant type: single nucleotide variant.
Coding change: c.314C>A on transcript NM_013336.4 (MANE Select); coding-DNA position 314, C replaced by A.
Protein change: p.Thr105Asn; replaces threonine 105 with asparagine.
Molecular consequence: missense variant.
Genome position (GRCh38, 1-based): chr3:128,056,802, C>A. VCF-style: chr3-128056802-C-A. GRCh37 (hg19) VCF-style: chr3-127775645-C-A.
Other names: c.332C>A, p.Thr111Asn (NM_001400328.1); c.155C>A, p.Thr52Asn (NM_001400329.1); short protein forms T105N, T52N, T111N.
Identifiers: ClinVar variation 2545425 (VCV002545425.3), dbSNP rs1941778566, ClinGen allele CA354391886.

ClinVar aggregate classification (germline): Uncertain significance. Review status: criteria provided, multiple submitters, no conflicts (2 of 4 stars). 2 submissions from 2 submitters: Uncertain significance (2). Last evaluated 2025-09-10.

Conditions:
Inborn genetic diseases. Identifiers: MedGen C0950123, MeSH D030342.
SEC61A1-related disorder. Also called: SEC61A1-related condition.

Allele frequency attached by ClinVar (database versions not stated): TOPMed below 0.00001.

Submissions (2):

PreventionGenetics, part of Exact Sciences
Classification: Uncertain significance for SEC61A1-related condition. Last evaluated: 2025-09-10. Review status: criteria provided, single submitter. Criteria: ACMG Guidelines, 2015. Collection method: clinical testing. Allele origin: germline.
Comment: The SEC61A1 c.314C>A variant is predicted to result in the amino acid substitution p.Thr105Asn. To our knowledge, this variant has not been reported in the literature or in a large population database (gnomAD), indicating this variant is rare. At this time, the clinical significance of this variant is uncertain due to the absence of conclusive functional and genetic evidence.

Ambry Genetics
Classification: Uncertain significance for Inborn genetic diseases. Last evaluated: 2023-05-09. Review status: criteria provided, single submitter. Criteria: Ambry Variant Classification Scheme 2023. Collection method: clinical testing. Allele origin: germline.